The following is an entry in ClinVar:

ClinVar aggregate classification (germline): Pathogenic (1 of 4 stars; one submission).

Submission:

Labcorp Genetics (formerly Invitae), Labcorp
Classification: Pathogenic. Last evaluated: 2024-05-17. Review status: criteria provided, single submitter. Criteria: Invitae Variant Classification Sherloc (09022015). Collection method: clinical testing. Allele origin: germline.
Comment: This sequence change creates a premature translational stop signal (p.Ser161*) in the SERPINF1 gene. It is expected to result in an absent or disrupted protein product. Loss-of-function variants in SERPINF1 are known to be pathogenic (PMID: 21353196, 21826736). This variant is not present in population databases (gnomAD no frequency). This variant has not been reported in the literature in individuals affected with SERPINF1-related conditions. For these reasons, this variant has been classified as Pathogenic.

Literature cited by the submitters: PubMed 21353196; PubMed 21826736.

NM_002615.7(SERPINF1):c.482C>A (p.Ser161Ter)

Gene: SERPINF1 (serpin family F member 1; plus strand). Cytogenetic location: 17p13.3.
Variant type: single nucleotide variant.
Coding change: c.482C>A on transcript NM_002615.7 (MANE Select); coding-DNA position 482, C replaced by A.
Protein change: p.Ser161Ter; replaces serine 161 with a stop codon.
Molecular consequence: nonsense. On other transcripts: 5 prime UTR variant (2).
Genome position (GRCh38, 1-based): chr17:1,771,914, C>A. VCF-style: chr17-1771914-C-A. GRCh37 (hg19) VCF-style: chr17-1675208-C-A.
Other names: c.-80C>A (NM_001329904.2, NM_001329905.2); c.482C>A, p.Ser161Ter (NM_001329903.2); short protein forms S161*.
Identifiers: ClinVar variation 3653734 (VCV003653734.2).